The following is an entry in ClinVar:

NM_201384.3(PLEC):c.7765G>A (p.Glu2589Lys)

Gene: PLEC (plectin; minus strand). Cytogenetic location: 8q24.3.
Variant type: single nucleotide variant.
Coding change: c.7765G>A on transcript NM_201384.3 (MANE Select); coding-DNA position 7765, G replaced by A.
Protein change: p.Glu2589Lys; replaces glutamic acid 2589 with lysine.
Molecular consequence: missense variant.
Genome position (GRCh38, 1-based): chr8:143,922,056, C>T on the plus strand (G>A on the coding strand, the complement: PLEC is on the minus strand). VCF-style: chr8-143922056-C-T. GRCh37 (hg19) VCF-style: chr8-144996224-C-T.
Other names: c.7846G>A, p.Glu2616Lys (NM_000445.5); c.7723G>A, p.Glu2575Lys (NM_201378.4); c.7699G>A, p.Glu2567Lys (NM_201379.3); c.8176G>A, p.Glu2726Lys (NM_201380.4); c.7669G>A, p.Glu2557Lys (NM_201381.3); c.7765G>A, p.Glu2589Lys (NM_201382.4); c.7777G>A, p.Glu2593Lys (NM_201383.3); short protein forms E2557K, E2567K, E2575K, E2589K, E2593K, E2616K, E2726K.
Identifiers: ClinVar variation 1055593 (VCV001055593.5), dbSNP rs782123609, ClinGen allele CA4925523.

ClinVar aggregate classification (germline): Uncertain significance (1 of 4 stars; one submission).

Conditions:
Epidermolysis bullosa simplex 5B, with muscular dystrophy (EBS5B). Also called: Epidermolysis bullosa simplex with muscular dystrophy; EPIDERMOLYSIS BULLOSA SIMPLEX AND LIMB-GIRDLE MUSCULAR DYSTROPHY. Identifiers: Orphanet 257, MedGen C2931072, MONDO:0009181, OMIM 226670.
Epidermolysis bullosa simplex 5C, with pyloric atresia (EBS5C). Also called: Epidermolysis bullosa simplex with pyloric atresia; PLEC-Related Epidermolysis Bullosa with Pyloric Atresia; PLEC1-Related Epidermolysis Bullosa with Pyloric Atresia. Identifiers: Orphanet 158684, MedGen C2677349, MONDO:0012807, OMIM 612138.
Epidermolysis bullosa simplex, Ogna type (EBS5A). Also called: Pidermolysis bullosa simplex 5A, Ogna type; EPIDERMOLYSIS BULLOSA SIMPLEX 5A, OGNA TYPE. Identifiers: Orphanet 79401, MedGen C0432317, MONDO:0007555, OMIM 131950.
Autosomal recessive limb-girdle muscular dystrophy type 2Q (LGMDR17). Also called: MUSCULAR DYSTROPHY, LIMB-GIRDLE, AUTOSOMAL RECESSIVE 17. Identifiers: Orphanet 254361, MedGen C3150989, MONDO:0013390, OMIM 613723.
Epidermolysis bullosa simplex with nail dystrophy (EBS5D). Identifiers: MedGen C4225309, MONDO:0014661, OMIM 616487.

Allele frequency attached by ClinVar (database versions not stated): gnomAD exomes 0.00001; ExAC 0.00002; gnomAD 0.00003 and 0.00004; TOPMed 0.00003.
gnomAD v4.1: 10 of 1,591,712 alleles (0.00063%); highest among the groups gnomAD compares: African/African-American, 0.011%; no homozygotes.

Submission:

Labcorp Genetics (formerly Invitae), Labcorp
Classification: Uncertain significance for Autosomal recessive limb-girdle muscular dystrophy type 2Q; Epidermolysis bullosa simplex, Ogna type; Epidermolysis bullosa simplex with nail dystrophy; Epidermolysis bullosa simplex 5C, with pyloric atresia; Epidermolysis bullosa simplex 5B, with muscular dystrophy. Last evaluated: 2022-02-24. Review status: criteria provided, single submitter. Criteria: Invitae Variant Classification Sherloc (09022015). Collection method: clinical testing. Allele origin: germline.
Comment: In summary, the available evidence is currently insufficient to determine the role of this variant in disease. Therefore, it has been classified as a Variant of Uncertain Significance. Algorithms developed to predict the effect of missense changes on protein structure and function (SIFT, PolyPhen-2, Align-GVGD) all suggest that this variant is likely to be disruptive. ClinVar contains an entry for this variant (Variation ID: 1055593). This variant has not been reported in the literature in individuals affected with PLEC-related conditions. The frequency data for this variant in the population databases is considered unreliable, as metrics indicate poor data quality at this position in the gnomAD database. This sequence change replaces glutamic acid, which is acidic and polar, with lysine, which is basic and polar, at codon 2616 of the PLEC protein (p.Glu2616Lys).